The following is an entry in ClinVar:

NM_032492.4(JAGN1):c.71C>T (p.Ala24Val)

Gene: JAGN1 (jagunal vesicle mediated transporter 1; plus strand). Cytogenetic location: 3p25.3.
Variant type: single nucleotide variant.
Coding change: c.71C>T on transcript NM_032492.4 (MANE Select); coding-DNA position 71, C replaced by T.
Protein change: p.Ala24Val; replaces alanine 24 with valine.
Molecular consequence: missense variant. On other transcripts: 5 prime UTR variant (1).
Genome position (GRCh38, 1-based): chr3:9,890,793, C>T. VCF-style: chr3-9890793-C-T. GRCh37 (hg19) VCF-style: chr3-9932477-C-T.
Other names: p.Ala24Val; c.71C>T, p.Ala24Val (LRG_1228t1); c.-198C>T (NM_001363890.1); short protein forms A24V.
Identifiers: ClinVar variation 577875 (VCV000577875.5), dbSNP rs377495463, ClinGen allele CA2245797.
Genomic context (GRCh38, chr3:9,890,793, plus strand): 5'-GAGCAGGCCCGCGAGCGGCCGGCACCGACGGCAGCGACTTTCAGCACCGGGAGCGCGTCG[C>T]CATGCACTACCAGATGAGGTATGAAGTGAGGCGAGGAGCACGGAGGCTTTCTCCCCCGCT-3'
Protein context (NP_115881.3, residues 14-34): GSDFQHRERV[Ala24Val]MHYQMSVTLK

ClinVar aggregate classification (germline): Uncertain significance. Review status: criteria provided, multiple submitters, no conflicts (2 of 4 stars). 2 submissions from 2 submitters: Uncertain significance (2). Last evaluated 2026-01-05.

Conditions:
Autosomal recessive severe congenital neutropenia due to JAGN1 deficiency. Also called: Severe congenital neutropenia 6, autosomal recessive. Identifiers: Orphanet 423384, MedGen C4014954, MONDO:0014456, OMIM 616022.

Allele frequency attached by ClinVar (database versions not stated): ExAC 0.00001; gnomAD 0.00003 and 0.00004; TOPMed 0.00003; gnomAD exomes 0.00004 and 0.00007; ESP Exome Variant Server 0.00008.
gnomAD v4.1: 104 of 1,607,410 alleles (0.0065%); highest among the groups gnomAD compares: Non-Finnish European, 0.0087%; no homozygotes.

Submissions (2):

Labcorp Genetics (formerly Invitae), Labcorp
Classification: Uncertain significance for Autosomal recessive severe congenital neutropenia due to JAGN1 deficiency. Last evaluated: 2026-01-05. Review status: criteria provided, single submitter. Criteria: Invitae Variant Classification Sherloc (09022015). Collection method: clinical testing. Allele origin: germline.
Comment: This sequence change replaces alanine, which is neutral and non-polar, with valine, which is neutral and non-polar, at codon 24 of the JAGN1 protein (p.Ala24Val). This variant is present in population databases (rs377495463, gnomAD 0.009%). This variant has not been reported in the literature in individuals affected with JAGN1-related conditions. ClinVar contains an entry for this variant (Variation ID: 577875). An algorithm developed to predict the effect of missense changes on protein structure and function (PolyPhen-2) suggests that this variant is likely to be disruptive. In summary, the available evidence is currently insufficient to determine the role of this variant in disease. Therefore, it has been classified as a Variant of Uncertain Significance.

Mayo Clinic Laboratories, Mayo Clinic
Classification: Uncertain significance. Last evaluated: 2023-08-31. Review status: criteria provided, single submitter. Criteria: ACMG Guidelines, 2015. Collection method: clinical testing. Allele origin: germline. Observed: 1 variant allele.